The following is an entry in ClinVar:

ClinVar aggregate classification (germline): Pathogenic/Likely pathogenic. Review status: criteria provided, multiple submitters, no conflicts (2 of 4 stars). 5 submissions from 5 submitters: Pathogenic (1); Likely pathogenic (4). Last evaluated 2025-08-26.

Conditions:
Familial dysautonomia. Also called: FD; HSAN III. Identifiers: Orphanet 1764, MedGen C0013364, MONDO:0009131, OMIM 223900. Disease mechanism: loss of function.
Medulloblastoma (MDB). Also called: Medulloblastoma, somatic; MEDULLOBLASTOMA PREDISPOSITION SYNDROME. Identifiers: Orphanet 616, MedGen C0025149, MeSH D008527, MONDO:0007959, OMIM 155255, HP:0002885.
ELP1-Associated Medulloblastoma. Identifiers: MedGen C5670652.

Allele frequency attached by ClinVar (database versions not stated): gnomAD exomes below 0.00001; TOPMed below 0.00001; gnomAD 0.00001.

Submissions (5):

Natera, Inc.
Classification: Likely pathogenic for Familial dysautonomia. Last evaluated: 2025-08-26. Review status: criteria provided, single submitter. Criteria: Natera Variant Classification Schema (03/2026). Collection method: clinical testing. Allele origin: germline.
Comment: The c.737G>A variant in ELP1 is a nonsense variant predicted to introduce a stop codon at amino acid 246. This variant is expected to result in nonsense mediated decay, truncation, or a dysfunctional protein product. This variant is rare in the general population with a frequency below the threshold expected for the associated phenotype(s). Given the available evidence, this variant is classified as Likely Pathogenic.

Institute for Genomic Medicine (IGM) Clinical Laboratory, Nationwide Children's Hospital
Classification: Likely pathogenic for ELP1-Associated Medulloblastoma. Last evaluated: 2025-07-29. Review status: criteria provided, single submitter. Criteria: ACMG Guidelines, 2015. Collection method: clinical testing. Allele origin: germline.
Comment: This variant is predicted to result in loss of function through nonsense-mediated decay of the encoded transcript or premature truncation of the encoded protein in a gene in which loss of function is a known mechanism of disease (ACMG/AMP: PVS1). This variant is absent from or present at an exceedingly low frequency in gnomAD, a large-scale control population database (ACMG/AMP: PM2).

Labcorp Genetics (formerly Invitae), Labcorp
Classification: Pathogenic. Last evaluated: 2025-06-10. Review status: criteria provided, single submitter. Criteria: Invitae Variant Classification Sherloc (09022015). Collection method: clinical testing. Allele origin: germline.
Comment: This sequence change creates a premature translational stop signal (p.Trp246*) in the ELP1 gene. It is expected to result in an absent or disrupted protein product. Loss-of-function variants in ELP1 are known to be pathogenic (PMID: 18303054, 24173031). This variant is present in population databases (no rsID available, gnomAD 0.007%). This variant has not been reported in the literature in individuals affected with ELP1-related conditions. ClinVar contains an entry for this variant (Variation ID: 1074683). For these reasons, this variant has been classified as Pathogenic.

Fulgent Genetics
Classification: Likely pathogenic for Medulloblastoma; Familial dysautonomia. Last evaluated: 2024-06-14. Review status: criteria provided, single submitter. Criteria: ACMG Guidelines, 2015. Collection method: clinical testing. Allele origin: germline.

Laboratory for Molecular Medicine, Mass General Brigham Personalized Medicine
Classification: Likely pathogenic for Familial dysautonomia. Last evaluated: 2023-11-09. Review status: criteria provided, single submitter. Criteria: ACMG Guidelines, 2015. Collection method: clinical testing. Allele origin: germline. Inheritance: Autosomal recessive inheritance.
Comment: The p.Trp246X variant in ELP1 has not been previously reported in individuals with familial dysautonomia but has been reported by other clinical laboratories in ClinVar (Variation ID 1074683). It has been identified in 0.002% (1/41438) of African chromosomes by gnomAD (v.3.1.2). This nonsense variant leads to a premature termination codon at position 246, which is predicted to lead to a truncated or absent protein. Biallelic loss of function of the ELP1 gene is an established disease mechanism in autosomal recessive familial dysautonomia. In summary, although additional studies are required to fully establish its clinical significance, this variant meets criteria to be classified as likely pathogenic for autosomal recessive familial dysautonomia. ACMG/AMP Criteria applied: PVS1, PM2_Supporting.

Literature cited by the submitters: PubMed 18303054 (cited by Labcorp Genetics (formerly Invitae), Labcorp); PubMed 24173031 (cited by Labcorp Genetics (formerly Invitae), Labcorp).

NM_003640.5(ELP1):c.737G>A (p.Trp246Ter)

Gene: ELP1 (elongator acetyltransferase complex subunit 1; minus strand). Cytogenetic location: 9q31.3.
Variant type: single nucleotide variant.
Coding change: c.737G>A on transcript NM_003640.5 (MANE Select); coding-DNA position 737, G replaced by A.
Protein change: p.Trp246Ter; replaces tryptophan 246 with a stop codon.
Molecular consequence: nonsense. On other transcripts: intron variant (1).
Genome position (GRCh38, 1-based): chr9:108,918,814, C>T on the plus strand (G>A on the coding strand, the complement: ELP1 is on the minus strand). VCF-style: chr9-108918814-C-T. GRCh37 (hg19) VCF-style: chr9-111681094-C-T.
Other names: c.395G>A, p.Trp132Ter (NM_001318360.2); c.-307-1144G>A (NM_001330749.2); c.737G>A (NM_003640.4); short protein forms W132*, W246*.
Identifiers: ClinVar variation 1074683 (VCV001074683.10), dbSNP rs1317221906, ClinGen allele CA374386655.